The following is an entry in ClinVar:

ClinVar aggregate classification (germline): Uncertain significance. Review status: criteria provided, multiple submitters, no conflicts (2 of 4 stars). 4 submissions from 4 submitters: Uncertain significance (4). Last evaluated 2025-04-11.

Conditions:
Hereditary cancer-predisposing syndrome. Also called: Hereditary neoplastic syndrome; Hereditary Cancer Syndrome; Neoplastic Syndromes, Hereditary; Tumor predisposition. Identifiers: Orphanet 140162, MedGen C0027672, MeSH D009386, MONDO:0015356.
Hereditary nonpolyposis colorectal neoplasms. Identifiers: MedGen C0009405, MeSH D003123.
Lynch syndrome. Identifiers: Orphanet 144, MedGen C4552100, MONDO:0005835. Disease mechanism: loss of function.

Allele frequency attached by ClinVar (database versions not stated): gnomAD exomes below 0.00001; TOPMed below 0.00001.
gnomAD v4.1: 1 of 1,614,180 alleles (0.000062%); highest among the groups gnomAD compares: Non-Finnish European, 0.000085%; no homozygotes.

Submissions (4):

Ambry Genetics
Classification: Uncertain significance for Hereditary cancer-predisposing syndrome. Last evaluated: 2025-04-11. Review status: criteria provided, single submitter. Criteria: Ambry Variant Classification Scheme 2023. Collection method: clinical testing. Allele origin: germline.
Comment: The p.K317R variant (also known as c.950A>G), located in coding exon 4 of the MSH6 gene, results from an A to G substitution at nucleotide position 950. The lysine at codon 317 is replaced by arginine, an amino acid with highly similar properties. This amino acid position is conserved. In addition, this alteration is predicted to be tolerated by in silico analysis. Based on the available evidence, the clinical significance of this variant remains unclear.

Labcorp Genetics (formerly Invitae), Labcorp
Classification: Uncertain significance for Hereditary nonpolyposis colorectal neoplasms. Last evaluated: 2023-07-07. Review status: criteria provided, single submitter. Criteria: Invitae Variant Classification Sherloc (09022015). Collection method: clinical testing. Allele origin: germline.
Comment: This sequence change replaces lysine, which is basic and polar, with arginine, which is basic and polar, at codon 317 of the MSH6 protein (p.Lys317Arg). This variant is not present in population databases (gnomAD no frequency). This variant has not been reported in the literature in individuals affected with MSH6-related conditions. ClinVar contains an entry for this variant (Variation ID: 234898). Advanced modeling of protein sequence and biophysical properties (such as structural, functional, and spatial information, amino acid conservation, physicochemical variation, residue mobility, and thermodynamic stability) performed at Invitae indicates that this missense variant is not expected to disrupt MSH6 protein function. In summary, the available evidence is currently insufficient to determine the role of this variant in disease. Therefore, it has been classified as a Variant of Uncertain Significance.

All of Us Research Program, National Institutes of Health
Classification: Uncertain significance for Lynch syndrome. Last evaluated: 2023-02-24. Review status: criteria provided, single submitter. Criteria: ACMG Guidelines, 2015. Collection method: clinical testing. Allele origin: germline. Inheritance: Autosomal dominant inheritance. Observed: 1 variant allele, 1 heterozygote.
Comment: This missense variant replaces lysine with arginine at codon 317 of the MSH6 protein. Computational prediction suggests that this variant may not impact protein structure and function (internally defined REVEL score threshold <= 0.5, PMID: 27666373). To our knowledge, functional studies have not been reported for this variant. This variant has not been reported in individuals affected with MSH6-related disorders in the literature. This variant has not been identified in the general population by the Genome Aggregation Database (gnomAD). The available evidence is insufficient to determine the role of this variant in disease conclusively. Therefore, this variant is classified as a Variant of Uncertain Significance.

This study involves interpretation of variants in research participants for the purpose of population health screening. Participant phenotype was not available at the time of variant classification. Additional details can be found in publication PMID: 35346344, PMCID: PMC8962531

GeneDx
Classification: Uncertain significance. Last evaluated: 2016-03-10. Review status: criteria provided, single submitter. Criteria: GeneDx Variant Classification (06012015). Collection method: clinical testing. Allele origin: germline. Affected: yes.
Comment: This variant is denoted MSH6 c.950A>G at the cDNA level, p.Lys317Arg (K317R) at the protein level, and results in the change of a Lysine to an Arginine (AAG>AGG). This variant has not, to our knowledge, been published in the literature as pathogenic or benign. MSH6 Lys317Arg was not observed in approximately 6,500 individuals of European and African American ancestry in the NHLBI Exome Sequencing Project, suggesting it is not a common benign variant in these populations. Since Lysine and Arginine share similar properties, this is considered a conservative amino acid substitution. MSH6 Lys317Arg occurs at a position that is not conserved and is not located in a known functional domain (Kariola 2002). In silico analyses are inconsistent regarding the effect this variant may have on protein structure and function. Based on currently available evidence, it is unclear whether MSH6 Lys317Arg is a pathogenic or benign variant. We consider it to be a variant of uncertain significance.

NM_000179.3(MSH6):c.950A>G (p.Lys317Arg)

Gene: MSH6 (mutS homolog 6; plus strand). Cytogenetic location: 2p16.3.
Variant type: single nucleotide variant.
Coding change: c.950A>G on transcript NM_000179.3 (MANE Select); coding-DNA position 950, A replaced by G.
Protein change: p.Lys317Arg; replaces lysine 317 with arginine.
Molecular consequence: missense variant.
Genome position (GRCh38, 1-based): chr2:47,798,933, A>G. VCF-style: chr2-47798933-A-G. GRCh37 (hg19) VCF-style: chr2-48026072-A-G.
Other names: c.560A>G, p.Lys187Arg (NM_001281492.2); c.44A>G, p.Lys15Arg (NM_001281493.2, NM_001281494.2); short protein forms K317R, K15R, K187R.
Identifiers: ClinVar variation 234898 (VCV000234898.12), dbSNP rs876661282, ClinGen allele CA10577261.